The following is an entry in ClinVar:

ClinVar aggregate classification (germline): Likely pathogenic (1 of 4 stars; one submission).

Conditions:
Complex neurodevelopmental disorder. Identifiers: Orphanet 528084, MedGen C5568766, MONDO:0100038.
Intellectual developmental disorder, autosomal dominant 6, with or without seizures. Also called: Intellectual disability, autosomal dominant 6; GRIN2B-related developmental delay, intellectual disability and autism spectrum disorder. Identifiers: Orphanet 589547, MedGen C3151411, MONDO:0013509, OMIM 613970.

Submission:

Institute of Human Genetics, University of Leipzig Medical Center
Classification: Likely pathogenic for Intellectual developmental disorder, autosomal dominant 6, with or without seizures. Last evaluated: 2017-04-04. Review status: criteria provided, single submitter. Criteria: ACMG Guidelines, 2015. Collection method: clinical testing. Allele origin: de novo. Affected: yes.
Comment: This variant was identified as de novo (maternity and paternity confirmed).

Literature cited by the submitters: PubMed 28377535 (cited by Institute of Human Genetics, University of Leipzig Medical Center).

NM_000834.5(GRIN2B):c.2060C>T (p.Pro687Leu)

Gene: GRIN2B (glutamate ionotropic receptor NMDA type subunit 2B; minus strand). Cytogenetic location: 12p13.1.
Variant type: single nucleotide variant.
Coding change: c.2060C>T on transcript NM_000834.5 (MANE Select); coding-DNA position 2060, C replaced by T.
Protein change: p.Pro687Leu; replaces proline 687 with leucine.
Molecular consequence: missense variant.
Genome position (GRCh38, 1-based): chr12:13,571,915, G>A on the plus strand (C>T on the coding strand, the complement: GRIN2B is on the minus strand). VCF-style: chr12-13571915-G-A. GRCh37 (hg19) VCF-style: chr12-13724849-G-A.
Other names: short protein forms P687L.
Identifiers: ClinVar variation 205711 (VCV000205711.3), dbSNP rs1555103986, ClinGen allele CA315050.